The following is an entry in ClinVar:

NM_000553.6(WRN):c.3236C>T (p.Ser1079Leu)

Gene: WRN (WRN RecQ like helicase; plus strand). Cytogenetic location: 8p12.
Variant type: single nucleotide variant.
Coding change: c.3236C>T on transcript NM_000553.6 (MANE Select); coding-DNA position 3236, C replaced by T.
Protein change: p.Ser1079Leu; replaces serine 1079 with leucine.
Molecular consequence: missense variant.
Genome position (GRCh38, 1-based): chr8:31,142,628, C>T. VCF-style: chr8-31142628-C-T. GRCh37 (hg19) VCF-style: chr8-31000144-C-T.
Other names: short protein forms S1079L.
Identifiers: ClinVar variation 130756 (VCV000130756.26), dbSNP rs3087414, ClinGen allele CA156011.

ClinVar aggregate classification (germline): Benign. Review status: criteria provided, multiple submitters, no conflicts (2 of 4 stars). 11 submissions from 10 submitters: Benign (9). 2 of the submissions do not count toward it. Last evaluated 2026-02-02.

Conditions:
Wiskott-Aldrich syndrome (WAS). Also called: WISKOTT-ALDRICH SYNDROME 1; ALDRICH SYNDROME; IMMUNODEFICIENCY 2; Wiskott-aldrich syndrome, somatic. Identifiers: Orphanet 906, MedGen C0043194, MONDO:0010518, OMIM 301000.
Werner syndrome (WRN). Identifiers: Orphanet 902, MedGen C0043119, MONDO:0010196, OMIM 277700.

Allele frequency attached by ClinVar (database versions not stated): 1000 Genomes Project 0.02037; 1000 Genomes Project 30x 0.02077; gnomAD 0.01577; TOPMed 0.01663; ESP Exome Variant Server 0.01475.
gnomAD v4.1: 5,130 of 1,593,104 alleles (0.32%); highest among the groups gnomAD compares: African/African-American, 4.9%; 88 homozygotes.

Submissions (11):

Labcorp Genetics (formerly Invitae), Labcorp
Classification: Benign for Werner syndrome. Last evaluated: 2026-02-02. Review status: criteria provided, single submitter. Criteria: Invitae Variant Classification Sherloc (09022015). Collection method: clinical testing. Allele origin: germline.

Dasa
Classification: Benign. Last evaluated: 2026-01-26. Review status: criteria provided, single submitter. Criteria: DASA Assertion Criteria. Collection method: clinical testing. Allele origin: germline.
Comment: NM_000553.6(WRN):c.3236C>T (p.Ser1079Leu) is a missense variant that results in the substitution of serine with leucine. Population frequency is inconsistent with a disease-causing role for this variant. Therefore, based on the currently available evidence, this variant is classified as benign.

KCCC/NGS Laboratory, Kuwait Cancer Control Center
Classification: Benign for Werner syndrome. Last evaluated: 2025-02-01. Review status: criteria provided, single submitter. Criteria: ACMG Guidelines, 2015. Collection method: clinical testing. Allele origin: germline. Affected: no.

Mayo Clinic Laboratories, Mayo Clinic
Classification: Benign. Last evaluated: 2024-12-17. Review status: criteria provided, single submitter. Criteria: ACMG Guidelines, 2015. Collection method: clinical testing. Allele origin: germline. Observed: 4 variant alleles.
Comment: BS1, BS2, BP4

KCCC/NGS Laboratory, Kuwait Cancer Control Center
Classification: Benign for Wiskott-Aldrich syndrome. Last evaluated: 2023-07-07. Review status: criteria provided, single submitter. Criteria: ACMG Guidelines, 2015. Collection method: clinical testing. Allele origin: germline. Affected: yes.

Genome-Nilou Lab
Classification: Benign for Werner syndrome. Last evaluated: 2021-12-05. Review status: criteria provided, single submitter. Criteria: ACMG Guidelines, 2015. Collection method: clinical testing. Allele origin: germline. Affected: no.

GeneDx
Classification: Benign. Last evaluated: 2018-05-31. Review status: criteria provided, single submitter. Criteria: GeneDx Variant Classification (06012015). Collection method: clinical testing. Allele origin: germline. Affected: yes.
Comment: This variant is considered likely benign or benign based on one or more of the following criteria: it is a conservative change, it occurs at a poorly conserved position in the protein, it is predicted to be benign by multiple in silico algorithms, and/or has population frequency not consistent with disease.

Illumina Laboratory Services, Illumina
Classification: Benign for Werner syndrome. Last evaluated: 2018-01-12. Review status: criteria provided, single submitter. Criteria: ICSL Variant Classification Criteria 13 December 2019. Collection method: clinical testing. Allele origin: germline.
Comment: This variant was observed in the ICSL laboratory as part of a predisposition screen in an ostensibly healthy population. It had not been previously curated by ICSL or reported in the Human Gene Mutation Database (HGMD: prior to June 1st, 2018), and was therefore a candidate for classification through an automated scoring system. Utilizing variant allele frequency, disease prevalence and penetrance estimates, and inheritance mode, an automated score was calculated to assess if this variant is too frequent to cause the disease. Based on the score and internal cut-off values, a variant classified as benign is not then subjected to further curation. The score for this variant resulted in a classification of benign for this disease.

Breakthrough Genomics
Classification: Benign. Review status: criteria provided, single submitter. Criteria: ACMG Guidelines, 2015. Collection method: not provided. Allele origin: germline. Inheritance: Autosomal recessive inheritance. Affected: yes.

ITMI
No classification provided. Condition: AllHighlyPenetrant. Last evaluated: 2013-09-19. Review status: no classification provided. Collection method: reference population. Allele origin: germline. Not counted in ClinVar's aggregate classification.
Comment: Please see associated publication for description of ethnicities

Genetic Services Laboratory, University of Chicago
Classification: Likely benign for AllHighlyPenetrant. Review status: no assertion criteria provided. Collection method: clinical testing. Allele origin: germline. Inheritance: Autosomal recessive inheritance. Not counted in ClinVar's aggregate classification.
Comment: Likely benign based on allele frequency in 1000 Genomes Project or ESP global frequency and its presence in a patient with a rare or unrelated disease phenotype. NOT Sanger confirmed.

Literature cited by the submitters: PubMed 24728327 (cited by ITMI).